The following is an entry in ClinVar:

NM_005555.4(KRT6B):c.1633G>A (p.Gly545Ser)

Gene: KRT6B (keratin 6B; minus strand). Cytogenetic location: 12q13.13.
Variant type: single nucleotide variant.
Coding change: c.1633G>A on transcript NM_005555.4 (MANE Select); coding-DNA position 1633, G replaced by A.
Protein change: p.Gly545Ser; replaces glycine 545 with serine.
Molecular consequence: missense variant.
Genome position (GRCh38, 1-based): chr12:52,447,252, C>T on the plus strand (G>A on the coding strand, the complement: KRT6B is on the minus strand). VCF-style: chr12-52447252-C-T. GRCh37 (hg19) VCF-style: chr12-52841036-C-T.
Other names: short protein forms G545S.
Identifiers: ClinVar variation 2211057 (VCV002211057.5), dbSNP rs146988096, ClinGen allele CA6580303.
Genomic context (GRCh38, chr12:52,447,252, plus strand): 5'-AGTGCTTGTAGCTCTTCCTGCTGGAGGAGGAGGTGGTGGTGTACTTGATGGTGGAACTGC[C>T]GCCTCCAACAGAGCTGAGGCCACCCCCAGTGGCTCTGCCGCTGCTGGAACTAAAGCCGCC-3'
Protein context (NP_005546.2, residues 535-555): TGGGLSSVGG[Gly545Ser]SSTIKYTTTS

ClinVar aggregate classification (germline): Conflicting classifications of pathogenicity. Review status: criteria provided, conflicting classifications (1 of 4 stars). 2 submissions from 2 submitters: Uncertain significance (1); Likely benign (1). Last evaluated 2023-03-13.

Conditions:
Inborn genetic diseases. Identifiers: MedGen C0950123, MeSH D030342.

Allele frequency attached by ClinVar (database versions not stated): gnomAD exomes 0.00001; ExAC 0.00003; gnomAD 0.00005; TOPMed 0.00007; ESP Exome Variant Server 0.00008.
gnomAD v4.1: 23 of 1,613,912 alleles (0.0014%); highest among the groups gnomAD compares: African/African-American, 0.02%; no homozygotes.

Submissions (2):

Labcorp Genetics (formerly Invitae), Labcorp
Classification: Uncertain significance. Last evaluated: 2023-03-13. Review status: criteria provided, single submitter. Criteria: Invitae Variant Classification Sherloc (09022015). Collection method: clinical testing. Allele origin: germline.
Comment: In summary, the available evidence is currently insufficient to determine the role of this variant in disease. Therefore, it has been classified as a Variant of Uncertain Significance. Advanced modeling of protein sequence and biophysical properties (such as structural, functional, and spatial information, amino acid conservation, physicochemical variation, residue mobility, and thermodynamic stability) performed at Invitae indicates that this missense variant is not expected to disrupt KRT6B protein function. ClinVar contains an entry for this variant (Variation ID: 2211057). This variant has not been reported in the literature in individuals affected with KRT6B-related conditions. This variant is present in population databases (rs146988096, gnomAD 0.02%). This sequence change replaces glycine, which is neutral and non-polar, with serine, which is neutral and polar, at codon 545 of the KRT6B protein (p.Gly545Ser).

Ambry Genetics
Classification: Likely benign for Inborn genetic diseases. Last evaluated: 2022-05-06. Review status: criteria provided, single submitter. Criteria: Ambry Variant Classification Scheme 2023. Collection method: clinical testing. Allele origin: germline.